The following is an entry in ClinVar:

NM_014679.5(CEP57):c.341A>G (p.Glu114Gly)

Gene: CEP57 (centrosomal protein 57; plus strand). Cytogenetic location: 11q21.
Variant type: single nucleotide variant.
Coding change: c.341A>G on transcript NM_014679.5 (MANE Select); coding-DNA position 341, A replaced by G.
Protein change: p.Glu114Gly; replaces glutamic acid 114 with glycine.
Molecular consequence: missense variant.
Genome position (GRCh38, 1-based): chr11:95,813,070, A>G. VCF-style: chr11-95813070-A-G. GRCh37 (hg19) VCF-style: chr11-95546234-A-G.
Other names: c.341A>G (NM_014679.4); c.314A>G, p.Glu105Gly (NM_001243776.2); c.341A>G, p.Glu114Gly (NM_001243777.2); c.260A>G, p.Glu87Gly (NM_001363604.2); short protein forms E114G, E105G, E87G.
Identifiers: ClinVar variation 2710872 (VCV002710872.4), dbSNP rs765402486, ClinGen allele CA6239434.

ClinVar aggregate classification (germline): Uncertain significance. Review status: criteria provided, multiple submitters, no conflicts (2 of 4 stars). 2 submissions from 2 submitters: Uncertain significance (2). Last evaluated 2024-12-16.

Conditions:
Mosaic variegated aneuploidy syndrome 2 (MVA2). Identifiers: Orphanet 1052, MedGen C3279843, MONDO:0013582, OMIM 614114.
Inborn genetic diseases. Identifiers: MedGen C0950123, MeSH D030342.

Allele frequency attached by ClinVar (database versions not stated): gnomAD exomes 0.00001; ExAC 0.00002; TOPMed 0.00002.
gnomAD v4.1: 17 of 1,613,500 alleles (0.0011%); highest among the groups gnomAD compares: Admixed American, 0.0017%; no homozygotes.

Submissions (2):

Ambry Genetics
Classification: Uncertain significance for Inborn genetic diseases. Last evaluated: 2024-12-16. Review status: criteria provided, single submitter. Criteria: Ambry Variant Classification Scheme 2023. Collection method: clinical testing. Allele origin: germline.
Comment: The p.E114G variant (also known as c.341A>G), located in coding exon 3 of the CEP57 gene, results from an A to G substitution at nucleotide position 341. The glutamic acid at codon 114 is replaced by glycine, an amino acid with similar properties. This amino acid position is conserved. In addition, the in silico prediction for this alteration is inconclusive. Based on the available evidence, the clinical significance of this variant remains unclear.

Labcorp Genetics (formerly Invitae), Labcorp
Classification: Uncertain significance for Mosaic variegated aneuploidy syndrome 2. Last evaluated: 2024-10-18. Review status: criteria provided, single submitter. Criteria: Invitae Variant Classification Sherloc (09022015). Collection method: clinical testing. Allele origin: germline.
Comment: This sequence change replaces glutamic acid, which is acidic and polar, with glycine, which is neutral and non-polar, at codon 114 of the CEP57 protein (p.Glu114Gly). This variant is present in population databases (rs765402486, gnomAD 0.004%). This variant has not been reported in the literature in individuals affected with CEP57-related conditions. Invitae Evidence Modeling of protein sequence and biophysical properties (such as structural, functional, and spatial information, amino acid conservation, physicochemical variation, residue mobility, and thermodynamic stability) indicates that this missense variant is not expected to disrupt CEP57 protein function with a negative predictive value of 80%. In summary, the available evidence is currently insufficient to determine the role of this variant in disease. Therefore, it has been classified as a Variant of Uncertain Significance.